The following is an entry in ClinVar:

ClinVar aggregate classification (germline): Uncertain significance (1 of 4 stars; one submission).

Submission:

Women's Health and Genetics/Laboratory Corporation of America, LabCorp
Classification: Uncertain significance. Last evaluated: 2024-02-08. Review status: criteria provided, single submitter. Criteria: LabCorp Variant Classification Summary - May 2015. Collection method: clinical testing. Allele origin: germline.
Comment: Variant summary: ADGRL1 c.3667A>G (p.Ser1223Gly) results in a non-conservative amino acid change located in the GPCR, family 2, latrophilin, C-terminal (IPR003334) of the encoded protein sequence. Three of five in-silico tools predict a benign effect of the variant on protein function. It alters a nucleotide in the exonic splice region in Exon 23. Consensus agreement among computation tools predict no significant impact on normal splicing. However, these predictions have yet to be confirmed by functional studies. The variant was absent in 251414 control chromosomes. The available data on variant occurrences in the general population are insufficient to allow any conclusion about variant significance. To our knowledge, no occurrence of c.3667A>G in individuals affected with Developmental Delay, Behavioral Abnormalities, And Neuropsychiatric Disorders and no experimental evidence demonstrating its impact on protein function have been reported. No submitters have cited clinical-significance assessments for this variant to ClinVar. Based on the evidence outlined above, the variant was classified as uncertain significance.

NM_014921.5(ADGRL1):c.3652A>G (p.Ser1218Gly)

Genes: ADGRL1 (adhesion G protein-coupled receptor L1; minus strand), ADGRL1-AS1 (ADGRL1 antisense RNA 1; plus strand). Cytogenetic location: 19p13.12.
Variant type: single nucleotide variant.
Coding change: c.3652A>G on transcript NM_014921.5 (MANE Select); coding-DNA position 3652, A replaced by G.
Protein change: p.Ser1218Gly; replaces serine 1218 with glycine.
Molecular consequence: missense variant.
Genome position (GRCh38, 1-based): chr19:14,152,148, T>C on the plus strand (A>G on the coding strand, the complement: ADGRL1 is on the minus strand). VCF-style: chr19-14152148-T-C. GRCh37 (hg19) VCF-style: chr19-14262960-T-C.
Other names: c.3667A>G, p.Ser1223Gly (NM_001008701.3); short protein forms S1218G, S1223G.
Identifiers: ClinVar variation 3068911 (VCV003068911.2), dbSNP rs1968266567, ClinGen allele CA404388869.